The following is an entry in ClinVar:

NM_003476.5(CSRP3):c.64del (p.Glu22fs)

Gene: CSRP3 (cysteine and glycine rich protein 3; minus strand). Cytogenetic location: 11p15.1.
Variant type: Deletion.
Coding change: c.64del on transcript NM_003476.5 (MANE Select); coding-DNA position 64, one base deleted (G; older notation c.64delG).
Protein change: p.Glu22fs; shifts the reading frame from glutamic acid 22.
Molecular consequence: frameshift variant.
Genome position (GRCh38, 1-based): chr11:19,192,385, C deleted on the plus strand (G on the coding strand, the reverse complement: CSRP3 is on the minus strand). VCF-style (leftmost placement, unchanged base first): chr11-19192384-TC-T. GRCh37 (hg19) VCF-style: chr11-19213931-TC-T.
Other names: c.64delG, p.Glu22Lysfs (NM_001127656.1); c.64del, p.Glu22fs (NM_001369404.1); short protein forms E22fs.
Identifiers: ClinVar variation 3242461 (VCV003242461.6), dbSNP rs2494229088.

ClinVar aggregate classification (germline): Conflicting classifications of pathogenicity. Review status: criteria provided, conflicting classifications (1 of 4 stars). 4 submissions from 4 submitters: Pathogenic (1); Likely pathogenic (1); Uncertain significance (2). Last evaluated 2024-05-24.

Conditions:
Dilated cardiomyopathy 1M (CMD1M). Identifiers: Orphanet 154, MedGen C1843808, MONDO:0011840, OMIM 607482.
Hypertrophic cardiomyopathy 12. Identifiers: MedGen C2677491, MONDO:0012804, OMIM 612124.

Allele frequency attached by ClinVar (database versions not stated): gnomAD exomes below 0.00001.

Submissions (4):

Regional Center For Medical Genetics Timis, Louis Turcanu Emergency Hospital for Children Timisoara
Classification: Uncertain significance for Hypertrophic cardiomyopathy 12. Last evaluated: 2024-05-24. Review status: criteria provided, single submitter. Criteria: ACMG Guidelines, 2015. Collection method: research. Allele origin: germline. Affected: yes.
Comment: The variant is present in healthy population databases with a very low frequency (gnomAD v4.1.0 exomes, f = 0.000001590). The association between the CSRP3 gene and the hypertrophic phenotype is definitive, but the importance of LOF variants in this gene is not very well established. The variant leads to frameshift and the occurrence of a novel stop codon in the 3'-UTR. In silico predictions estimate a NMD escape associated with this variant. This variant alters both LIM domains crucial for CSRP3 protein function. Furthermore, in silico predictions show that RNA splicing of the main transcript might be impaired secondary to this variant. Our laboratory found this recurrent variant in several cases of hypertrophic cardiomyopathy with late onset.

Labcorp Genetics (formerly Invitae), Labcorp
Classification: Pathogenic for Hypertrophic cardiomyopathy 12; Dilated cardiomyopathy 1M. Last evaluated: 2024-04-26. Review status: criteria provided, single submitter. Criteria: Invitae Variant Classification Sherloc (09022015). Collection method: clinical testing. Allele origin: germline.
Comment: This sequence change results in a frameshift in the CSRP3 gene (p.Glu22Lysfs*186). While this is not anticipated to result in nonsense mediated decay, it is expected to disrupt the last 173 amino acid(s) of the CSRP3 protein and extend the protein by 12 additional amino acid residues. This variant is not present in population databases (gnomAD no frequency). This variant has not been reported in the literature in individuals affected with CSRP3-related conditions. This variant disrupts a region of the CSRP3 protein in which other variant(s) (p.Cys150Tyr) have been determined to be pathogenic (PMID: 23396983, 25351510, 33035702). This suggests that this is a clinically significant region of the protein, and that variants that disrupt it are likely to be disease-causing. For these reasons, this variant has been classified as Pathogenic.

Blueprint Genetics
Classification: Uncertain significance. Last evaluated: 2024-03-14. Review status: criteria provided, single submitter. Criteria: ACMG Guidelines, 2015. Collection method: clinical testing. Allele origin: germline.

Illumina Laboratory Services, Illumina
Classification: Likely pathogenic for Hypertrophic cardiomyopathy 12. Last evaluated: 2024-03-05. Review status: criteria provided, single submitter. Criteria: ICSLVariantClassificationCriteria RUGD 01 April 2020. Collection method: clinical testing. Allele origin: unknown.
Comment: The CSRP3 c.64del p.(Glu22LysfsTer186) variant causes a shift in the protein reading frame that is predicted to disrupt all known functional domains and result in the elongation of the protein. The resulting transcript may escape nonsense-mediated mRNA decay. A similar frameshift variant has been reported in individuals with hypertrophic cardiomyopathy (PMID: 22429680). This variant is not observed at a significant frequency in version 2.1.1 or version 4.0.0 of the Genome Aggregation Database. Based on the available evidence, the c. 64del p.(Glu22LysfsTer186) variant is classified as likely pathogenic for hypertrophic cardiomyopathy.

Literature cited by the submitters: PubMed 23396983 (cited by Labcorp Genetics (formerly Invitae), Labcorp); PubMed 25351510 (cited by Labcorp Genetics (formerly Invitae), Labcorp); PubMed 33035702 (cited by Labcorp Genetics (formerly Invitae), Labcorp); PubMed 22429680 (cited by Illumina Laboratory Services, Illumina).